The following is an entry in ClinVar:

ClinVar aggregate classification (germline): Uncertain significance (1 of 4 stars; one submission).

Submission:

Labcorp Genetics (formerly Invitae), Labcorp
Classification: Uncertain significance. Last evaluated: 2022-07-15. Review status: criteria provided, single submitter. Criteria: Invitae Variant Classification Sherloc (09022015). Collection method: clinical testing. Allele origin: germline.
Comment: This sequence change replaces leucine, which is neutral and non-polar, with phenylalanine, which is neutral and non-polar, at codon 2 of the ZIC1 protein (p.Leu2Phe). This variant is not present in population databases (gnomAD no frequency). This variant has not been reported in the literature in individuals affected with ZIC1-related conditions. Algorithms developed to predict the effect of missense changes on protein structure and function are either unavailable or do not agree on the potential impact of this missense change (SIFT: "Deleterious"; PolyPhen-2: "Probably Damaging"; Align-GVGD: "Class C15"). In summary, the available evidence is currently insufficient to determine the role of this variant in disease. Therefore, it has been classified as a Variant of Uncertain Significance.

NM_003412.4(ZIC1):c.4C>T (p.Leu2Phe)

Gene: ZIC1 (Zic family zinc finger 1; plus strand). Cytogenetic location: 3q24.
Variant type: single nucleotide variant.
Coding change: c.4C>T on transcript NM_003412.4 (MANE Select); coding-DNA position 4, C replaced by T.
Protein change: p.Leu2Phe; replaces leucine 2 with phenylalanine.
Molecular consequence: missense variant.
Genome position (GRCh38, 1-based): chr3:147,410,116, C>T. VCF-style: chr3-147410116-C-T. GRCh37 (hg19) VCF-style: chr3-147127903-C-T.
Other names: short protein forms L2F.
Identifiers: ClinVar variation 1713843 (VCV001713843.5), dbSNP rs1387004073, ClinGen allele CA354895476.